The following is an entry in ClinVar:

NM_000551.4(VHL):c.449A>G (p.Asn150Ser)

Genes: VHL (von Hippel-Lindau tumor suppressor; plus strand), LOC107303340 (3p25 von Hippel-Lindau tumor suppressor, E3 ubiquitin protein ligase Alu-mediated recombination region; plus strand). Cytogenetic location: 3p25.3.
Variant type: single nucleotide variant.
Coding change: c.449A>G on transcript NM_000551.4 (MANE Select); coding-DNA position 449, A replaced by G.
Protein change: p.Asn150Ser; replaces asparagine 150 with serine.
Molecular consequence: missense variant. On other transcripts: intron variant (2).
Genome position (GRCh38, 1-based): chr3:10,146,622, A>G. VCF-style: chr3-10146622-A-G. GRCh37 (hg19) VCF-style: chr3-10188306-A-G.
Other names: c.*18-3165A>G (NM_001354723.2); c.341-3165A>G (NM_198156.3); short protein forms N150S.
Identifiers: ClinVar variation 371992 (VCV000371992.69), dbSNP rs760184234, ClinGen allele CA041030.

ClinVar aggregate classification (germline): Uncertain significance. Review status: criteria provided, multiple submitters, no conflicts (2 of 4 stars). 13 submissions from 13 submitters: Uncertain significance (12). 1 of the submissions does not count toward it. Last evaluated 2025-12-29.

Conditions:
VHL-related disorder. Also called: VHL-related condition.
Chuvash polycythemia. Also called: POLYCYTHEMIA, VHL-DEPENDENT. Identifiers: Orphanet 238557, MedGen C1837915, MONDO:0009892, OMIM 263400.
Von Hippel-Lindau syndrome (VHLS). Also called: von Hippel–Lindau syndrome; Von Hippel-Lindau; VHL syndrome. Identifiers: Orphanet 892, MedGen C0019562, MONDO:0008667, OMIM 193300. Disease mechanism: loss of function.
Hereditary cancer-predisposing syndrome. Also called: Tumor predisposition; Hereditary Cancer Syndrome; Hereditary neoplastic syndrome; Neoplastic Syndromes, Hereditary. Identifiers: Orphanet 140162, MedGen C0027672, MeSH D009386, MONDO:0015356.

Allele frequency attached by ClinVar (database versions not stated): gnomAD exomes below 0.00001 and 0.00001; TOPMed below 0.00001; ExAC 0.00001.
gnomAD v4.1: 14 of 1,613,906 alleles (0.00087%); highest among the groups gnomAD compares: South Asian, 0.0033%; no homozygotes.

Submissions (13):

Center for Genomic Medicine, Rigshospitalet, Copenhagen University Hospital
Classification: Uncertain significance. Last evaluated: 2025-12-29. Review status: criteria provided, single submitter. Criteria: ACMG Guidelines, 2015. Collection method: clinical testing. Allele origin: germline.

Labcorp Genetics (formerly Invitae), Labcorp
Classification: Uncertain significance for Von Hippel-Lindau syndrome; Chuvash polycythemia. Last evaluated: 2025-11-24. Review status: criteria provided, single submitter. Criteria: Invitae Variant Classification Sherloc (09022015). Collection method: clinical testing. Allele origin: germline.
Comment: This sequence change replaces asparagine, which is neutral and polar, with serine, which is neutral and polar, at codon 150 of the VHL protein (p.Asn150Ser). This variant is present in population databases (rs760184234, gnomAD 0.0009%). This missense change has been observed in individual(s) with polycythemia (PMID: 25586603). This variant is also known as c.662A>G. ClinVar contains an entry for this variant (Variation ID: 371992). Invitae Evidence Modeling of protein sequence and biophysical properties (such as structural, functional, and spatial information, amino acid conservation, physicochemical variation, residue mobility, and thermodynamic stability) indicates that this missense variant is expected to disrupt VHL protein function with a positive predictive value of 95%. In summary, the available evidence is currently insufficient to determine the role of this variant in disease. Therefore, it has been classified as a Variant of Uncertain Significance.

Ambry Genetics
Classification: Uncertain significance for Hereditary cancer-predisposing syndrome. Last evaluated: 2025-11-12. Review status: criteria provided, single submitter. Criteria: Ambry Variant Classification Scheme 2023. Collection method: clinical testing. Allele origin: germline.
Comment: The p.N150S variant (also known as c.449A>G), located in coding exon 2 of the VHL gene, results from an A to G substitution at nucleotide position 449. The asparagine at codon 150 is replaced by serine, an amino acid with highly similar properties. This variant has been detected in conjunction with a VHL pathogenic variant in an individual with polycythemia (Sidhu A et al. Pediatr Blood Cancer, 2015 Jun;62:1113-4). This variant was determined to be functionally indeterminant in one saturation genome editing assay (Buckley M et al. Nat Genet, 2024 Jul;56:1446-1455). This amino acid position is well conserved in available vertebrate species. In addition, the in silico prediction for this alteration is inconclusive. Based on the available evidence, the clinical significance of this variant remains unclear.

PreventionGenetics, part of Exact Sciences
Classification: Uncertain significance for VHL-related condition. Last evaluated: 2025-10-24. Review status: criteria provided, single submitter. Criteria: ACMG Guidelines, 2015. Collection method: clinical testing. Allele origin: germline.
Comment: The VHL c.449A>G variant is predicted to result in the amino acid substitution p.Asn150Ser. This variant was reported with a de novo nonsense VHL variant in an individual with congenital polycythaemia (Sidhu et al. 2015. PubMed ID: 25586603). This variant is reported in 0.00088% of alleles in individuals of European (Non-Finnish) descent in gnomAD. At this time, the clinical significance of this variant is uncertain due to the absence of conclusive functional and genetic evidence.

Molecular Pathology, Peter Maccallum Cancer Centre
Classification: Uncertain significance for Von Hippel-Lindau syndrome. Last evaluated: 2025-01-21. Review status: criteria provided, single submitter. Criteria: ACMG Guidelines, 2015. Collection method: clinical testing. Allele origin: germline. Inheritance: Autosomal dominant inheritance.

Color Diagnostics, LLC DBA Color Health
Classification: Uncertain significance for Von Hippel-Lindau syndrome. Last evaluated: 2023-10-12. Review status: criteria provided, single submitter. Criteria: ACMG Guidelines, 2015. Collection method: clinical testing. Allele origin: germline.
Comment: This missense variant replaces asparagine with serine at codon 150 of the VHL protein. Computational prediction suggests that this variant may have deleterious impact on protein structure and function. To our knowledge, functional studies have not been reported for this variant. This variant has been reported in an individual affected with congenital polycythemia (PMID: 25586603). This variant has been identified in 1/251494 chromosomes in the general population by the Genome Aggregation Database (gnomAD). The available evidence is insufficient to determine the role of this variant in disease conclusively. Therefore, this variant is classified as a Variant of Uncertain Significance.

Baylor Genetics
Classification: Uncertain significance for Chuvash polycythemia. Last evaluated: 2023-10-09. Review status: criteria provided, single submitter. Criteria: ACMG Guidelines, 2015. Collection method: clinical testing. Allele origin: unknown.

Blueprint Genetics
Classification: Uncertain significance. Last evaluated: 2023-02-16. Review status: criteria provided, single submitter. Criteria: ACMG Guidelines, 2015. Collection method: clinical testing. Allele origin: germline.

Women's Health and Genetics/Laboratory Corporation of America, LabCorp
Classification: Uncertain significance. Last evaluated: 2023-01-06. Review status: criteria provided, single submitter. Criteria: LabCorp Variant Classification Summary - May 2015. Collection method: clinical testing. Allele origin: germline.
Comment: Variant summary: VHL c.449A>G (p.Asn150Ser) results in a conservative amino acid change located in the von Hippel-Lindau disease tumour suppressor, beta/alpha domain (IPR022772) of the encoded protein sequence. Four of five in-silico tools predict a damaging effect of the variant on protein function. The variant allele was found at a frequency of 4e-06 in 251494 control chromosomes (gnomAD). The available data on variant occurrences in the general population are insufficient to allow any conclusion about variant significance. c.449A>G also known as c.662A>G has been reported in the literature in an individual affected with polycythemia (Sidhu_2015) . These report(s) do not provide unequivocal conclusions about association of the variant with Von Hippel-Lindau Syndrome. To our knowledge, no experimental evidence demonstrating an impact on protein function has been reported. Six clinical diagnostic laboratories have submitted clinical-significance assessments for this variant to ClinVar after 2014 and all classified the variant as uncertain significance. Based on the evidence outlined above, the variant was classified as uncertain significance.

CeGaT Center for Human Genetics Tuebingen
Classification: Uncertain significance. Last evaluated: 2020-01-01. Review status: criteria provided, single submitter. Criteria: CeGaT Center For Human Genetics Tuebingen Variant Classification Criteria Version 2. Collection method: clinical testing. Allele origin: germline. Affected: yes. Observed: 1 variant allele.

GeneDx
Classification: Uncertain significance. Last evaluated: 2019-06-14. Review status: criteria provided, single submitter. Criteria: GeneDx Variant Classification Process June 2021. Collection method: clinical testing. Allele origin: germline. Affected: yes.
Comment: Not observed at a significant frequency in large population cohorts (Lek et al., 2016); In silico analysis, which includes protein predictors and evolutionary conservation, supports a deleterious effect; This variant is associated with the following publications: (PMID: 26894854, 25586603)

Genomic Diagnostic Laboratory, Division of Genomic Diagnostics, Children's Hospital of Philadelphia
Classification: Uncertain significance for von Hippel-Lindau syndrome. Last evaluated: 2018-08-01. Review status: criteria provided, single submitter. Criteria: DGD Variant Analysis Guidelines. Collection method: clinical testing. Allele origin: germline. Affected: no. Observed: 1 variant allele.

Counsyl
Classification: Uncertain significance for Von Hippel-Lindau syndrome. Last evaluated: 2016-10-03. Review status: no assertion criteria provided. Collection method: clinical testing. Allele origin: unknown. Not counted in ClinVar's aggregate classification.

Literature cited by the submitters: PubMed 25586603 (cited by 6 submitters); PubMed 38969834 (cited by Center for Genomic Medicine, Rigshospitalet, Copenhagen University Hospital and Ambry Genetics).